The following is an entry in ClinVar:

NM_182915.3(STEAP3):c.615G>A (p.Leu205=)

Genes: STEAP3 (STEAP3 metalloreductase; plus strand), STEAP3-AS1 (STEAP3 antisense RNA 1; minus strand). Cytogenetic location: 2q14.2.
Variant type: single nucleotide variant.
Coding change: c.615G>A on transcript NM_182915.3 (MANE Select); coding-DNA position 615, G replaced by A.
Protein change: p.Leu205=; no amino-acid change (leucine 205 retained).
Molecular consequence: synonymous variant.
Genome position (GRCh38, 1-based): chr2:119,247,771, G>A. VCF-style: chr2-119247771-G-A. GRCh37 (hg19) VCF-style: chr2-120005347-G-A.
Other names: c.585G>A, p.Leu195= (NM_001008410.2, NM_018234.3, NM_138637.3).
Identifiers: ClinVar variation 2651299 (VCV002651299.24), dbSNP rs2467122987, ClinGen allele CA428557993.

ClinVar aggregate classification (germline): Likely benign (1 of 4 stars; one submission).

Submission:

CeGaT Center for Human Genetics Tuebingen
Classification: Likely benign. Last evaluated: 2023-04-01. Review status: criteria provided, single submitter. Criteria: CeGaT Center For Human Genetics Tuebingen Variant Classification Criteria Version 2. Collection method: clinical testing. Allele origin: germline. Affected: yes. Observed: 1 variant allele.
Comment: STEAP3: PM2:Supporting, BP4, BP7